The following is an entry in ClinVar:

NM_007294.4(BRCA1):c.110C>A (p.Thr37Lys)

Gene: BRCA1 (BRCA1 DNA repair associated; minus strand). Cytogenetic location: 17q21.31.
Variant type: single nucleotide variant.
Coding change: c.110C>A on transcript NM_007294.4 (MANE Select); coding-DNA position 110, C replaced by A.
Protein change: p.Thr37Lys; replaces threonine 37 with lysine.
Molecular consequence: missense variant. On other transcripts: non-coding transcript variant (1), intron variant (1).
Genome position (GRCh38, 1-based): chr17:43,115,750, G>T on the plus strand (C>A on the coding strand, the complement: BRCA1 is on the minus strand). VCF-style: chr17-43115750-G-T. GRCh37 (hg19) VCF-style: chr17-41267767-G-T.
Other names: 229C>A; c.-79C>A (NM_001407571.1, NM_001407853.1, NM_001407879.1 and 52 more transcripts); c.110C>A, p.Thr37Lys (NM_001407581.1, NM_001407582.1, NM_001407583.1 and 192 more transcripts); c.-148C>A (NM_001407694.1, NM_001407696.1, NM_001407724.1 and 13 more transcripts); c.-152C>A (NM_001407695.1, NM_001408465.1); c.-32C>A (NM_001407697.1, NM_001407725.1, NM_001407728.1 and 47 more transcripts); c.-28C>A (NM_001407841.1); c.-195C>A (NM_001407889.1, NM_001407900.1, NM_001408492.1); and 3 more; short protein forms T37K.
Identifiers: ClinVar variation 54131 (VCV000054131.19), dbSNP rs80356880, ClinGen allele CA000742.

ClinVar aggregate classification (germline): Pathogenic. Review status: reviewed by expert panel (3 of 4 stars). 6 submissions from 6 submitters: Pathogenic (1). 5 of the submissions do not count toward it. Last evaluated 2015-08-10.

Conditions:
Familial cancer of breast. Also called: Hereditary breast cancer; hereditary breast carcinoma; BREAST CANCER, FAMILIAL. Identifiers: Orphanet 227535, MedGen C0346153, MONDO:0016419, OMIM 114480. Disease mechanism: loss of function.
Breast-ovarian cancer, familial, susceptibility to, 1 (BROVCA1). Also called: OVARIAN CANCER, SUSCEPTIBILITY TO; BRCA1 Hereditary Breast and Ovarian Cancer. Identifiers: Orphanet 145, MedGen C2676676, MONDO:0011450, OMIM 604370. Disease mechanism: loss of function.
Pancreatic cancer, susceptibility to, 4. Identifiers: Orphanet 1333, MedGen C3280442, MONDO:0013685, OMIM 614320.
Fanconi anemia, complementation group S (FANCS). Identifiers: MedGen C4554406, MONDO:0054748, OMIM 617883.
Hereditary cancer-predisposing syndrome. Also called: Tumor predisposition; Neoplastic Syndromes, Hereditary; Hereditary Cancer Syndrome; Hereditary neoplastic syndrome. Identifiers: Orphanet 140162, MedGen C0027672, MeSH D009386, MONDO:0015356.
Hereditary breast ovarian cancer syndrome. Also called: Hereditary breast and ovarian cancer syndrome (HBOC); Hereditary breast and ovarian cancer syndrome; Hereditary breast and ovarian cancer; Hereditary breast and/or ovarian cancer syndrome; Breast and ovarian cancer; BRCA1- and BRCA2-Associated Hereditary Breast and Ovarian Cancer. Identifiers: Orphanet 145, MedGen C0677776, MeSH D061325, MONDO:0003582. Disease mechanism: loss of function.

Submissions (7):

Evidence-based Network for the Interpretation of Germline Mutant Alleles (ENIGMA)
Classification: Pathogenic for Breast-ovarian cancer, familial 1. Last evaluated: 2015-08-10. Review status: reviewed by expert panel. Criteria: ENIGMA BRCA1/2 Classification Criteria (2015). Collection method: curation. Allele origin: germline.
Comment: IARC class based on posterior probability from multifactorial likelihood analysis, thresholds for class as per Plon et al. 2008 (PMID: 18951446). Class 5 based on posterior probability = 1

Labcorp Genetics (formerly Invitae), Labcorp
Classification: Pathogenic for Hereditary breast ovarian cancer syndrome. Last evaluated: 2025-03-31. Review status: criteria provided, single submitter. Criteria: Invitae Variant Classification Sherloc (09022015). Collection method: clinical testing. Allele origin: germline. Not counted in ClinVar's aggregate classification.
Comment: This sequence change replaces threonine, which is neutral and polar, with lysine, which is basic and polar, at codon 37 of the BRCA1 protein (p.Thr37Lys). This variant is not present in population databases (gnomAD no frequency). This missense change has been observed in individual(s) with breast cancer (PMID: 19543972, 25823446, 28664506, 30564348). ClinVar contains an entry for this variant (Variation ID: 54131). Invitae Evidence Modeling incorporating data from in vitro experimental studies (PMID: 30209399) indicates that this missense variant is expected to disrupt BRCA1 function with a positive predictive value of 95%. Experimental studies have shown that this missense change affects BRCA1 function (PMID: 25823446, 27272900, 30209399). This variant disrupts the p.Thr37 amino acid residue in BRCA1. Other variant(s) that disrupt this residue have been determined to be pathogenic (PMID: 15983021, 19491284). This suggests that this residue is clinically significant, and that variants that disrupt this residue are likely to be disease-causing. For these reasons, this variant has been classified as Pathogenic.

Baylor Genetics
Classification: Pathogenic for Breast-ovarian cancer, familial, susceptibility to, 1. Last evaluated: 2023-04-19. Review status: criteria provided, single submitter. Criteria: ACMG Guidelines, 2015. Collection method: clinical testing. Allele origin: unknown. Not counted in ClinVar's aggregate classification.

Ambry Genetics
Classification: Pathogenic for Hereditary cancer-predisposing syndrome. Last evaluated: 2022-07-20. Review status: criteria provided, single submitter. Criteria: Ambry Variant Classification Scheme 2023. Collection method: clinical testing. Allele origin: germline. Not counted in ClinVar's aggregate classification.
Comment: The p.T37K pathogenic mutation (also known as c.110C>A), located in coding exon 2 of the BRCA1 gene, results from a C to A substitution at nucleotide position 110. The threonine at codon 37 is replaced by lysine, an amino acid with similar properties. One functional study found that this nucleotide substitution is non-functional in a high-throughput, genome editing, haploid cell survival assay (Findlay GM et al. Nature. 2018 10;562:217-222). Another alteration at the same codon, p.T37R (c.110C>G), has also been determined to be functionally and structurally deleterious (Findlay GM et al. Nature. 2018 10;562:217-222; Morris JR et al. Hum Mol Genet. 2006; 15:599-606; Ransburgh DJ et al. Cancer Res. 2010; 70:988-95; Towler WI et al. Hum Mutat. 2013; Ruffner H et al. Proc. Natl. Acad. Sci. U.S.A. 2001 Apr; 98(9):5134-9; Zhu Q et al. Nature 2011 Sep; 477(7363):179-84; Brzovic PS et al. Nat. Struct. Biol. 2001 Oct;8(10):833-7; Ambry Internal Data). This variant is considered to be rare based on population cohorts in the Genome Aggregation Database (gnomAD). This amino acid position is highly conserved in available vertebrate species. In addition, this alteration is predicted to be deleterious by in silico analysis. Based on the supporting evidence, this alteration is interpreted as a disease-causing mutation.

Fulgent Genetics
Classification: Pathogenic for Familial cancer of breast; Breast-ovarian cancer, familial, susceptibility to, 1; Pancreatic cancer, susceptibility to, 4; Fanconi anemia, complementation group S. Last evaluated: 2018-10-31. Review status: criteria provided, single submitter. Criteria: ACMG Guidelines, 2015. Collection method: clinical testing. Allele origin: unknown. Not counted in ClinVar's aggregate classification.

Breast Cancer Information Core (BIC) (BRCA1)
Classification: Uncertain significance for Breast-ovarian cancer, familial 1. Last evaluated: 2006-07-19. Review status: no assertion criteria provided. Collection method: clinical testing. Allele origin: germline. Affected: yes. Observed: 1 variant allele. Not counted in ClinVar's aggregate classification.

Brotman Baty Institute, University of Washington
No classification provided (evidence only). Condition: Breast-ovarian cancer, familial 1. Review status: no classification provided. Collection method: in vitro. Allele origin: not applicable. Functional consequence: functionally_abnormal. Not counted in ClinVar's aggregate classification.
ClinVar note: "not provided" was previously submitted as the classification for the variant. However, the classification appeared to be based only on an observation of functional data so it was converted to no classification on 2025-07-30.

Literature cited by the submitters: PubMed 21990134 (cited by Evidence-based Network for the Interpretation of Germline Mutant Alleles (ENIGMA)); PubMed 19543972 (cited by Labcorp Genetics (formerly Invitae), Labcorp); PubMed 25823446 (cited by Labcorp Genetics (formerly Invitae), Labcorp); PubMed 28664506 (cited by Labcorp Genetics (formerly Invitae), Labcorp and Ambry Genetics); PubMed 30564348 (cited by Labcorp Genetics (formerly Invitae), Labcorp and Ambry Genetics); PubMed 30209399 (cited by Labcorp Genetics (formerly Invitae), Labcorp and Ambry Genetics); PubMed 27272900 (cited by Labcorp Genetics (formerly Invitae), Labcorp); PubMed 15983021 (cited by Labcorp Genetics (formerly Invitae), Labcorp); PubMed 19491284 (cited by Labcorp Genetics (formerly Invitae), Labcorp).